The following is an entry in ClinVar:

NM_032608.7(MYO18B):c.22G>A (p.Ala8Thr)

Gene: MYO18B (myosin XVIIIB; plus strand). Cytogenetic location: 22q12.1.
Variant type: single nucleotide variant.
Coding change: c.22G>A on transcript NM_032608.7 (MANE Select); coding-DNA position 22, G replaced by A.
Protein change: p.Ala8Thr; replaces alanine 8 with threonine.
Molecular consequence: missense variant.
Genome position (GRCh38, 1-based): chr22:25,761,114, G>A. VCF-style: chr22-25761114-G-A. GRCh37 (hg19) VCF-style: chr22-26157081-G-A.
Other names: c.22G>A, p.Ala8Thr (NM_001318245.2); short protein forms A8T.
Identifiers: ClinVar variation 1359683 (VCV001359683.8), dbSNP rs139296373, ClinGen allele CA10159434.

ClinVar aggregate classification (germline): Uncertain significance. Review status: criteria provided, multiple submitters, no conflicts (2 of 4 stars). 4 submissions from 4 submitters: Uncertain significance (4). Last evaluated 2024-06-07.

Conditions:
Klippel-Feil anomaly-myopathy-facial dysmorphism syndrome. Also called: Klippel-feil syndrome 4, autosomal recessive, with nemaline myopathy and facial dysmorphism; Klippel-Feil syndrome 4, autosomal recessive, with myopathy and facial dysmorphism. Identifiers: Orphanet 447974, MedGen C4225285, MONDO:0014689, OMIM 616549.

Allele frequency attached by ClinVar (database versions not stated): ESP Exome Variant Server 0.00015; TOPMed 0.00019; gnomAD exomes 0.00021 and 0.00022; ExAC 0.00026; 1000 Genomes Project 30x 0.00031; 1000 Genomes Project 0.00040.
gnomAD v4.1: 344 of 1,613,398 alleles (0.021%); highest among the groups gnomAD compares: Non-Finnish European, 0.025%; no homozygotes.

Submissions (4):

Blueprint Genetics
Classification: Uncertain significance. Last evaluated: 2024-06-07. Review status: criteria provided, single submitter. Criteria: ACMG Guidelines, 2015. Collection method: clinical testing. Allele origin: germline.

Labcorp Genetics (formerly Invitae), Labcorp
Classification: Uncertain significance. Last evaluated: 2023-12-21. Review status: criteria provided, single submitter. Criteria: Invitae Variant Classification Sherloc (09022015). Collection method: clinical testing. Allele origin: germline.
Comment: This sequence change replaces alanine, which is neutral and non-polar, with threonine, which is neutral and polar, at codon 8 of the MYO18B protein (p.Ala8Thr). This variant is present in population databases (rs139296373, gnomAD 0.04%). This variant has not been reported in the literature in individuals affected with MYO18B-related conditions. ClinVar contains an entry for this variant (Variation ID: 1359683). An algorithm developed to predict the effect of missense changes on protein structure and function (PolyPhen-2) suggests that this variant is likely to be disruptive. In summary, the available evidence is currently insufficient to determine the role of this variant in disease. Therefore, it has been classified as a Variant of Uncertain Significance.

Revvity Omics, Revvity
Classification: Uncertain significance for Klippel-Feil anomaly-myopathy-facial dysmorphism syndrome. Last evaluated: 2023-02-08. Review status: criteria provided, single submitter. Criteria: ACMG Guidelines, 2015. Collection method: clinical testing. Allele origin: germline.

Breakthrough Genomics
Classification: Uncertain significance. Review status: criteria provided, single submitter. Criteria: ACMG Guidelines, 2015. Collection method: not provided. Allele origin: germline. Inheritance: Autosomal dominant inheritance. Affected: yes.